The following is an entry in ClinVar:

ClinVar aggregate classification (germline): Uncertain significance. Review status: criteria provided, multiple submitters, no conflicts (2 of 4 stars). 3 submissions from 3 submitters: Uncertain significance (3). Last evaluated 2025-03-31.

Conditions:
Dilated cardiomyopathy 1JJ (CMD1JJ). Identifiers: Orphanet 154, MedGen C3808935, MONDO:0014095, OMIM 615235.
Cardiovascular phenotype. Identifiers: MedGen CN230736.

Allele frequency attached by ClinVar (database versions not stated): gnomAD exomes 0.00001; TOPMed 0.00001; ExAC 0.00002; gnomAD 0.00002.
gnomAD v4.1: 11 of 1,613,560 alleles (0.00068%); highest among the groups gnomAD compares: Non-Finnish European, 0.00093%; no homozygotes.

Submissions (3):

Ambry Genetics
Classification: Uncertain significance for Cardiovascular phenotype. Last evaluated: 2025-03-31. Review status: criteria provided, single submitter. Criteria: Ambry Variant Classification Scheme 2023. Collection method: clinical testing. Allele origin: germline.

Labcorp Genetics (formerly Invitae), Labcorp
Classification: Uncertain significance for Dilated cardiomyopathy 1JJ. Last evaluated: 2024-07-03. Review status: criteria provided, single submitter. Criteria: Invitae Variant Classification Sherloc (09022015). Collection method: clinical testing. Allele origin: germline.
Comment: This sequence change replaces glutamic acid, which is acidic and polar, with valine, which is neutral and non-polar, at codon 596 of the LAMA4 protein (p.Glu596Val). This variant is present in population databases (rs781829812, gnomAD 0.002%). This variant has not been reported in the literature in individuals affected with LAMA4-related conditions. ClinVar contains an entry for this variant (Variation ID: 940882). An algorithm developed to predict the effect of missense changes on protein structure and function (PolyPhen-2) suggests that this variant is likely to be disruptive. In summary, the available evidence is currently insufficient to determine the role of this variant in disease. Therefore, it has been classified as a Variant of Uncertain Significance.

Fulgent Genetics
Classification: Uncertain significance for Dilated cardiomyopathy 1JJ. Last evaluated: 2021-08-19. Review status: criteria provided, single submitter. Criteria: ACMG Guidelines, 2015. Collection method: clinical testing. Allele origin: unknown.

NM_001105206.3(LAMA4):c.1808A>T (p.Glu603Val)

Gene: LAMA4 (laminin subunit alpha 4; minus strand). Cytogenetic location: 6q21.
Variant type: single nucleotide variant.
Coding change: c.1808A>T on transcript NM_001105206.3 (MANE Select); coding-DNA position 1808, A replaced by T.
Protein change: p.Glu603Val; replaces glutamic acid 603 with valine.
Molecular consequence: missense variant.
Genome position (GRCh38, 1-based): chr6:112,158,741, T>A on the plus strand (A>T on the coding strand, the complement: LAMA4 is on the minus strand). VCF-style: chr6-112158741-T-A. GRCh37 (hg19) VCF-style: chr6-112479943-T-A.
Other names: c.1787A>T, p.Glu596Val (NM_001105207.3, NM_002290.5); c.1787A>T (NM_002290.3); short protein forms E603V, E596V.
Identifiers: ClinVar variation 940882 (VCV000940882.12), dbSNP rs781829812, ClinGen allele CA3965678.